The following is an entry in ClinVar:

NM_004453.4(ETFDH):c.607-2A>G

Gene: ETFDH (electron transfer flavoprotein dehydrogenase; plus strand). Cytogenetic location: 4q32.1.
Variant type: single nucleotide variant.
Coding change: c.607-2A>G on transcript NM_004453.4 (MANE Select); the canonical splice acceptor site of the intron before coding-DNA position 607, A replaced by G.
Molecular consequence: splice acceptor variant.
Genome position (GRCh38, 1-based): chr4:158,690,346, A>G. VCF-style: chr4-158690346-A-G. GRCh37 (hg19) VCF-style: chr4-159611498-A-G.
Other names: c.466-2A>G (NM_001281737.2); c.424-2A>G (NM_001281738.1).
Identifiers: ClinVar variation 2770997 (VCV002770997.3), dbSNP rs2479100223, ClinGen allele CA358559891.

ClinVar aggregate classification (germline): Likely pathogenic (1 of 4 stars; one submission).

Conditions:
Multiple acyl-CoA dehydrogenase deficiency (MADD). Also called: ETHYLMALONIC-ADIPICACIDURIA; GA II; Glutaric aciduria, type 2; Glutaric acidemia type II; GA 2; Glutaric Acidemia type 2. Identifiers: Orphanet 26791, MedGen C0268596, MONDO:0009282, OMIM 231680.

Submission:

Labcorp Genetics (formerly Invitae), Labcorp
Classification: Likely pathogenic for Multiple acyl-CoA dehydrogenase deficiency. Last evaluated: 2023-10-22. Review status: criteria provided, single submitter. Criteria: Invitae Variant Classification Sherloc (09022015). Collection method: clinical testing. Allele origin: germline.
Comment: This sequence change affects an acceptor splice site in intron 5 of the ETFDH gene. It is expected to disrupt RNA splicing. Variants that disrupt the donor or acceptor splice site typically lead to a loss of protein function (PMID: 16199547), and loss-of-function variants in ETFDH are known to be pathogenic (PMID: 16510302, 23785301). This variant is not present in population databases (gnomAD no frequency). This variant has not been reported in the literature in individuals affected with ETFDH-related conditions. Algorithms developed to predict the effect of sequence changes on RNA splicing suggest that this variant may disrupt the consensus splice site. In summary, the currently available evidence indicates that the variant is pathogenic, but additional data are needed to prove that conclusively. Therefore, this variant has been classified as Likely Pathogenic.

Literature cited by the submitters: PubMed 16199547; PubMed 16510302; PubMed 23785301.